The following is an entry in ClinVar:

ClinVar aggregate classification (germline): Conflicting classifications of pathogenicity. Review status: criteria provided, conflicting classifications (1 of 4 stars). 2 submissions from 2 submitters: Uncertain significance (1); Likely benign (1). Last evaluated 2024-10-24.

Conditions:
Capillary malformation-arteriovenous malformation syndrome. Also called: Capillary malformation-arteriovenous malformation. Identifiers: Orphanet 137667, MedGen C1842180, MONDO:0012016.
Cardiovascular phenotype. Identifiers: MedGen CN230736.

Allele frequency attached by ClinVar (database versions not stated): gnomAD exomes below 0.00001 and 0.00002; TOPMed 0.00001; ExAC 0.00001; gnomAD 0.00001.
gnomAD v4.1: 7 of 1,610,312 alleles (0.00043%); highest among the groups gnomAD compares: Admixed American, 0.0033%; no homozygotes.

Submissions (2):

Ambry Genetics
Classification: Likely benign for Cardiovascular phenotype. Last evaluated: 2024-10-24. Review status: criteria provided, single submitter. Criteria: Ambry Variant Classification Scheme 2023. Collection method: clinical testing. Allele origin: germline.

Labcorp Genetics (formerly Invitae), Labcorp
Classification: Uncertain significance for Capillary malformation-arteriovenous malformation syndrome. Last evaluated: 2023-08-10. Review status: criteria provided, single submitter. Criteria: Invitae Variant Classification Sherloc (09022015). Collection method: clinical testing. Allele origin: germline.
Comment: In summary, the available evidence is currently insufficient to determine the role of this variant in disease. Therefore, it has been classified as a Variant of Uncertain Significance. An algorithm developed to predict the effect of missense changes on protein structure and function (PolyPhen-2) suggests that this variant is likely to be disruptive. ClinVar contains an entry for this variant (Variation ID: 1385078). This variant has not been reported in the literature in individuals affected with RASA1-related conditions. This variant is present in population databases (rs200416306, gnomAD 0.02%). This sequence change replaces leucine, which is neutral and non-polar, with valine, which is neutral and non-polar, at codon 741 of the RASA1 protein (p.Leu741Val).

NM_002890.3(RASA1):c.2221T>G (p.Leu741Val)

Genes: CCNH (cyclin H; minus strand), RASA1 (RAS p21 protein activator 1; plus strand). Cytogenetic location: 5q14.3.
Variant type: single nucleotide variant.
Coding change: c.2221T>G on transcript NM_002890.3 (MANE Select); coding-DNA position 2221, T replaced by G.
Protein change: p.Leu741Val; replaces leucine 741 with valine.
Molecular consequence: missense variant. On other transcripts: intron variant (1).
Genome position (GRCh38, 1-based): chr5:87,376,917, T>G. VCF-style: chr5-87376917-T-G. GRCh37 (hg19) VCF-style: chr5-86672734-T-G.
Other names: c.1690T>G, p.Leu564Val (NM_022650.3); c.933+18127A>C (NM_001364075.2); short protein forms L564V, L741V.
Identifiers: ClinVar variation 1385078 (VCV001385078.8), dbSNP rs200416306, ClinGen allele CA3335949.